The following is an entry in ClinVar:

ClinVar aggregate classification (germline): Conflicting classifications of pathogenicity. Review status: criteria provided, conflicting classifications (1 of 4 stars). 5 submissions from 5 submitters: Uncertain significance (1); Likely benign (4). Last evaluated 2026-02-01.

Allele frequency attached by ClinVar (database versions not stated): 1000 Genomes Project 0.00020; 1000 Genomes Project 30x 0.00031; TOPMed 0.00066; gnomAD 0.00079 and 0.00082; gnomAD exomes 0.00099; ESP Exome Variant Server 0.00115; ExAC 0.00118.
gnomAD v4.1: 1,687 of 1,613,136 alleles (0.1%); highest among the groups gnomAD compares: Non-Finnish European, 0.12%; 2 homozygotes.

Submissions (5):

Labcorp Genetics (formerly Invitae), Labcorp
Classification: Likely benign. Last evaluated: 2026-02-01. Review status: criteria provided, single submitter. Criteria: Invitae Variant Classification Sherloc (09022015). Collection method: clinical testing. Allele origin: germline.

Blueprint Genetics
Classification: Likely benign. Last evaluated: 2024-10-30. Review status: criteria provided, single submitter. Criteria: ACMG Guidelines, 2015. Collection method: clinical testing. Allele origin: germline.

CeGaT Center for Human Genetics Tuebingen
Classification: Likely benign. Last evaluated: 2024-10-01. Review status: criteria provided, single submitter. Criteria: CeGaT Center For Human Genetics Tuebingen Variant Classification Criteria Version 2. Collection method: clinical testing. Allele origin: germline. Affected: yes. Observed: 2 variant alleles.
Comment: TRIOBP: BP4, BP7

GeneDx
Classification: Likely benign. Last evaluated: 2020-12-23. Review status: criteria provided, single submitter. Criteria: GeneDx Variant Classification Process June 2021. Collection method: clinical testing. Allele origin: germline. Affected: yes.

Eurofins Ntd Llc (ga)
Classification: Uncertain significance. Last evaluated: 2016-08-03. Review status: criteria provided, single submitter. Criteria: EGL Classification Definitions 2015. Collection method: clinical testing. Allele origin: germline. Observed: 1 variant allele, 1 heterozygote.

NM_001039141.3(TRIOBP):c.3309C>T (p.His1103=)

Gene: TRIOBP (TRIO and F-actin binding protein; plus strand). Cytogenetic location: 22q13.1.
Variant type: single nucleotide variant.
Coding change: c.3309C>T on transcript NM_001039141.3 (MANE Select); coding-DNA position 3309, C replaced by T.
Protein change: p.His1103=; no amino-acid change (histidine 1103 retained).
Molecular consequence: synonymous variant.
Genome position (GRCh38, 1-based): chr22:37,725,865, C>T. VCF-style: chr22-37725865-C-T. GRCh37 (hg19) VCF-style: chr22-38121872-C-T.
Identifiers: ClinVar variation 289389 (VCV000289389.56), dbSNP rs199594270, ClinGen allele CA10224092.
Genomic context (GRCh38, chr22:37,725,865, plus strand): 5'-CCCCTTCCCCTTCCTCCCAGACACATCAGATGCCGAGCATCAGTGTCAGTCCCCCCAACA[C>T]GAGCCCCTTCAGCTCCCTGCACCTGTGTGTATTGGGTACCGAGATGCACCCCGGGCCTCC-3'
Protein context (NP_001034230.1, residues 1093-1113): DAEHQCQSPQ[His1103=]EPLQLPAPVC